The following is an entry in ClinVar:

NM_032444.4(SLX4):c.2065C>T (p.His689Tyr)

Gene: SLX4 (SLX4 structure-specific endonuclease subunit; minus strand). Cytogenetic location: 16p13.3.
Variant type: single nucleotide variant.
Coding change: c.2065C>T on transcript NM_032444.4 (MANE Select); coding-DNA position 2065, C replaced by T.
Protein change: p.His689Tyr; replaces histidine 689 with tyrosine.
Molecular consequence: missense variant.
Genome position (GRCh38, 1-based): chr16:3,594,548, G>A on the plus strand (C>T on the coding strand, the complement: SLX4 is on the minus strand). VCF-style: chr16-3594548-G-A. GRCh37 (hg19) VCF-style: chr16-3644549-G-A.
Other names: c.2065C>T (LRG_503t1); short protein forms H689Y.
Identifiers: ClinVar variation 407915 (VCV000407915.9), dbSNP rs138124860, ClinGen allele CA7866300.

ClinVar aggregate classification (germline): Uncertain significance. Review status: criteria provided, multiple submitters, no conflicts (2 of 4 stars). 2 submissions from 2 submitters: Uncertain significance (2). Last evaluated 2022-10-27.

Conditions:
Fanconi anemia complementation group P. Also called: SLX4-Related Fanconi Anemia. Identifiers: Orphanet 84, MedGen C3469542, MONDO:0013499, OMIM 613951.
Fanconi anemia (FA). Also called: Fanconi's anemia. Identifiers: Orphanet 84, MedGen C0015625, MeSH D005199, MONDO:0019391.

Allele frequency attached by ClinVar (database versions not stated): gnomAD 0.00003; TOPMed 0.00003; gnomAD exomes 0.00005 and 0.00007; ExAC 0.00007; ESP Exome Variant Server 0.00015.
gnomAD v4.1: 116 of 1,614,028 alleles (0.0072%); highest among the groups gnomAD compares: Non-Finnish European, 0.0092%; no homozygotes.

Submissions (2):

Labcorp Genetics (formerly Invitae), Labcorp
Classification: Uncertain significance for Fanconi anemia. Last evaluated: 2022-10-27. Review status: criteria provided, single submitter. Criteria: Invitae Variant Classification Sherloc (09022015). Collection method: clinical testing. Allele origin: germline.
Comment: This sequence change replaces histidine, which is basic and polar, with tyrosine, which is neutral and polar, at codon 689 of the SLX4 protein (p.His689Tyr). This variant is present in population databases (rs138124860, gnomAD 0.009%). This variant has not been reported in the literature in individuals affected with SLX4-related conditions. ClinVar contains an entry for this variant (Variation ID: 407915). Algorithms developed to predict the effect of missense changes on protein structure and function are either unavailable or do not agree on the potential impact of this missense change (SIFT: "Deleterious"; PolyPhen-2: "Probably Damaging"; Align-GVGD: "Class C0"). In summary, the available evidence is currently insufficient to determine the role of this variant in disease. Therefore, it has been classified as a Variant of Uncertain Significance.

Fulgent Genetics
Classification: Uncertain significance for Fanconi anemia complementation group P. Last evaluated: 2022-04-28. Review status: criteria provided, single submitter. Criteria: ACMG Guidelines, 2015. Collection method: clinical testing. Allele origin: unknown.